The following is an entry in ClinVar:

NM_000350.3(ABCA4):c.1356+5_1356+6insT

Gene: ABCA4 (ATP binding cassette subfamily A member 4; minus strand). Cytogenetic location: 1p22.1.
Variant type: Insertion.
Coding change: c.1356+5_1356+6insT on transcript NM_000350.3 (MANE Select); bases 5 to 6 of the intron after coding-DNA position 1356, T inserted.
Molecular consequence: intron variant.
Genome position: GRCh38 VCF-style: chr1-94078584-C-CA. GRCh37 (hg19) VCF-style: chr1-94544140-C-CA.
Identifiers: ClinVar variation 851016 (VCV000851016.9), dbSNP rs1553193877, ClinGen allele CA958569.

ClinVar aggregate classification (germline): Uncertain significance. Review status: criteria provided, multiple submitters, no conflicts (2 of 4 stars). 2 submissions from 2 submitters: Uncertain significance (2). Last evaluated 2024-10-23.

Submissions (2):

Labcorp Genetics (formerly Invitae), Labcorp
Classification: Uncertain significance. Last evaluated: 2024-10-23. Review status: criteria provided, single submitter. Criteria: Invitae Variant Classification Sherloc (09022015). Collection method: clinical testing. Allele origin: germline.
Comment: This sequence change falls in intron 10 of the ABCA4 gene. It does not directly change the encoded amino acid sequence of the ABCA4 protein. It affects a nucleotide within the consensus splice site. This variant is present in population databases (rs281865386, gnomAD 0.01%). This variant has not been reported in the literature in individuals affected with ABCA4-related conditions. ClinVar contains an entry for this variant (Variation ID: 851016). Variants that disrupt the consensus splice site are a relatively common cause of aberrant splicing (PMID: 17576681, 9536098). Algorithms developed to predict the effect of sequence changes on RNA splicing suggest that this variant is not likely to affect RNA splicing. In summary, the available evidence is currently insufficient to determine the role of this variant in disease. Therefore, it has been classified as a Variant of Uncertain Significance.

GeneDx
Classification: Uncertain significance. Last evaluated: 2019-06-24. Review status: criteria provided, single submitter. Criteria: GeneDx Variant Classification Process June 2021. Collection method: clinical testing. Allele origin: germline. Affected: yes.
Comment: In silico analysis, which includes splice predictors and evolutionary conservation, supports that this variant does not alter protein structure/function; Has not been previously published as pathogenic or benign to our knowledge

Literature cited by the submitters: PubMed 17576681 (cited by Labcorp Genetics (formerly Invitae), Labcorp); PubMed 9536098 (cited by Labcorp Genetics (formerly Invitae), Labcorp).